The following is an entry in ClinVar:

ClinVar aggregate classification (germline): Likely pathogenic (1 of 4 stars; one submission).

Conditions:
Retinoblastoma (RB1). Also called: RETINOBLASTOMA, SOMATIC. Identifiers: Orphanet 790, MedGen C0035335, MeSH D012175, MONDO:0008380, OMIM 180200, HP:0009919. Disease mechanism: loss of function. Inheritance: Both sporadic and heritable forms are tested..

Submission:

Labcorp Genetics (formerly Invitae), Labcorp
Classification: Likely pathogenic for Retinoblastoma. Last evaluated: 2024-01-19. Review status: criteria provided, single submitter. Criteria: Invitae Variant Classification Sherloc (09022015). Collection method: clinical testing. Allele origin: unknown.
Comment: This variant results in a copy number gain of the genomic region encompassing exon(s) 16-17 of the RB1 gene. While the exact position of this variant cannot be determined from the data, sub-genic copy number gains are generally in tandem (PMID: 25640679). This variant is predicted to be out-of-frame, and may result in an absent or disrupted protein product. Loss-of-function variants in RB1 are known to be pathogenic (PMID: 17096365). This variant has not been reported in the literature in individuals affected with RB1-related conditions. In summary, the currently available evidence indicates that the variant is pathogenic, but additional data are needed to prove that conclusively. Therefore, this variant has been classified as Likely Pathogenic.

Literature cited by the submitters: PubMed 25640679; PubMed 17096365.

NC_000013.10:g.(?_48954291)_(48955599_?)dup

Gene: RB1 (RB transcriptional corepressor 1; plus strand). Cytogenetic location: 13q14.2.
Variant type: Duplication.
Identifiers: ClinVar variation 3244133 (VCV003244133.1).